The following is an entry in ClinVar:

ClinVar aggregate classification (germline): Uncertain significance. Review status: criteria provided, multiple submitters, no conflicts (2 of 4 stars). 6 submissions from 6 submitters: Uncertain significance (6). Last evaluated 2025-11-12.

Conditions:
Hereditary cancer-predisposing syndrome. Also called: Hereditary neoplastic syndrome; Neoplastic Syndromes, Hereditary; Tumor predisposition; Hereditary Cancer Syndrome. Identifiers: Orphanet 140162, MedGen C0027672, MeSH D009386, MONDO:0015356.
Pancreatic cancer, susceptibility to, 3. Identifiers: Orphanet 1333, MedGen C3150547, MONDO:0013236, OMIM 613348.
Familial cancer of breast. Also called: BREAST CANCER, FAMILIAL; Hereditary breast cancer; hereditary breast carcinoma. Identifiers: Orphanet 227535, MedGen C0346153, MONDO:0016419, OMIM 114480. Disease mechanism: loss of function.
Fanconi anemia complementation group N. Also called: PALB2-Related Fanconi Anemia. Identifiers: Orphanet 84, MedGen C1835817, MONDO:0012565, OMIM 610832. Disease mechanism: loss of function.

Submissions (6):

Labcorp Genetics (formerly Invitae), Labcorp
Classification: Uncertain significance for Familial cancer of breast. Last evaluated: 2025-11-12. Review status: criteria provided, single submitter. Criteria: Invitae Variant Classification Sherloc (09022015). Collection method: clinical testing. Allele origin: germline.
Comment: This sequence change replaces alanine, which is neutral and non-polar, with valine, which is neutral and non-polar, at codon 323 of the PALB2 protein (p.Ala323Val). This variant is not present in population databases (gnomAD no frequency). This missense change has been observed in individual(s) with breast cancer (PMID: 31206626). ClinVar contains an entry for this variant (Variation ID: 482023). Invitae Evidence Modeling of protein sequence and biophysical properties (such as structural, functional, and spatial information, amino acid conservation, physicochemical variation, residue mobility, and thermodynamic stability) indicates that this missense variant is not expected to disrupt PALB2 protein function with a negative predictive value of 80%. In summary, the available evidence is currently insufficient to determine the role of this variant in disease. Therefore, it has been classified as a Variant of Uncertain Significance.

Ambry Genetics
Classification: Uncertain significance for Hereditary cancer-predisposing syndrome. Last evaluated: 2025-05-24. Review status: criteria provided, single submitter. Criteria: Ambry Variant Classification Scheme 2023. Collection method: clinical testing. Allele origin: germline.
Comment: The p.A323V variant (also known as c.968C>T), located in coding exon 4 of the PALB2 gene, results from a C to T substitution at nucleotide position 968. The alanine at codon 323 is replaced by valine, an amino acid with similar properties. This amino acid position is not well conserved in available vertebrate species. In addition, this alteration is predicted to be tolerated by in silico analysis. Since supporting evidence is limited at this time, the clinical significance of this alteration remains unclear.

Women's Health and Genetics/Laboratory Corporation of America, LabCorp
Classification: Uncertain significance. Last evaluated: 2024-04-30. Review status: criteria provided, single submitter. Criteria: LabCorp Variant Classification Summary - May 2015. Collection method: clinical testing. Allele origin: germline.
Comment: Variant summary: PALB2 c.968C>T (p.Ala323Val) results in a non-conservative amino acid change in the encoded protein sequence. Three of five in-silico tools predict a benign effect of the variant on protein function. The variant was absent in 250708 control chromosomes. The available data on variant occurrences in the general population are insufficient to allow any conclusion about variant significance. c.968C>T has been reported in the literature in at least 1 individual included in a Hereditary Breast And Ovarian Cancer Syndrome case-control study (Weitzel_2019). These report(s) do not provide unequivocal conclusions about association of the variant with Hereditary Breast And Ovarian Cancer Syndrome. To our knowledge, no experimental evidence demonstrating an impact on protein function has been reported. ClinVar contains an entry for this variant (Variation ID: 482023). Based on the evidence outlined above, the variant was classified as uncertain significance.

Color Diagnostics, LLC DBA Color Health
Classification: Uncertain significance for Hereditary cancer-predisposing syndrome. Last evaluated: 2022-08-29. Review status: criteria provided, single submitter. Criteria: ACMG Guidelines, 2015. Collection method: clinical testing. Allele origin: germline.
Comment: This missense variant replaces alanine with valine at codon 323 of the PALB2 protein. Computational prediction suggests that this variant may not impact protein structure and function (internally defined REVEL score threshold <= 0.5, PMID: 27666373). To our knowledge, functional studies have not been reported for this variant. This variant has been reported in an individual affected with breast cancer (PMID: 31206626). This variant has not been identified in the general population by the Genome Aggregation Database (gnomAD). The available evidence is insufficient to determine the role of this variant in disease conclusively. Therefore, this variant is classified as a Variant of Uncertain Significance.

Fulgent Genetics
Classification: Uncertain significance for Familial cancer of breast; Fanconi anemia complementation group N; Pancreatic cancer, susceptibility to, 3. Last evaluated: 2021-07-24. Review status: criteria provided, single submitter. Criteria: ACMG Guidelines, 2015. Collection method: clinical testing. Allele origin: unknown.

Quest Diagnostics Nichols Institute San Juan Capistrano
Classification: Uncertain significance. Last evaluated: 2021-05-21. Review status: criteria provided, single submitter. Criteria: Quest Diagnostics criteria. Collection method: clinical testing. Allele origin: unknown.

Literature cited by the submitters: PubMed 31206626 (cited by 3 submitters).

NM_024675.4(PALB2):c.968C>T (p.Ala323Val)

Gene: PALB2 (partner and localizer of BRCA2; minus strand). Cytogenetic location: 16p12.2.
Variant type: single nucleotide variant.
Coding change: c.968C>T on transcript NM_024675.4 (MANE Select); coding-DNA position 968, C replaced by T.
Protein change: p.Ala323Val; replaces alanine 323 with valine.
Molecular consequence: missense variant.
Genome position (GRCh38, 1-based): chr16:23,635,578, G>A on the plus strand (C>T on the coding strand, the complement: PALB2 is on the minus strand). VCF-style: chr16-23635578-G-A. GRCh37 (hg19) VCF-style: chr16-23646899-G-A.
Other names: short protein forms A323V.
Identifiers: ClinVar variation 482023 (VCV000482023.20), dbSNP rs730881882, ClinGen allele CA395134885.